The following is an entry in ClinVar:

ClinVar aggregate classification (germline): Uncertain significance (1 of 4 stars; one submission).

Allele frequency attached by ClinVar (database versions not stated): TOPMed below 0.00001; gnomAD exomes 0.00001.
gnomAD v4.1: 14 of 1,614,036 alleles (0.00087%); highest among the groups gnomAD compares: Middle Eastern, 0.05%; no homozygotes.

Submission:

Labcorp Genetics (formerly Invitae), Labcorp
Classification: Uncertain significance. Last evaluated: 2024-07-20. Review status: criteria provided, single submitter. Criteria: Invitae Variant Classification Sherloc (09022015). Collection method: clinical testing. Allele origin: germline.
Comment: This sequence change replaces threonine, which is neutral and polar, with alanine, which is neutral and non-polar, at codon 510 of the NCSTN protein (p.Thr510Ala). This variant is present in population databases (no rsID available, gnomAD 0.002%). This variant has not been reported in the literature in individuals affected with NCSTN-related conditions. Advanced modeling of protein sequence and biophysical properties (such as structural, functional, and spatial information, amino acid conservation, physicochemical variation, residue mobility, and thermodynamic stability) performed at Invitae indicates that this missense variant is not expected to disrupt NCSTN protein function with a negative predictive value of 80%. In summary, the available evidence is currently insufficient to determine the role of this variant in disease. Therefore, it has been classified as a Variant of Uncertain Significance.

NM_015331.3(NCSTN):c.1528A>G (p.Thr510Ala)

Gene: NCSTN (nicastrin; plus strand). Cytogenetic location: 1q23.2.
Variant type: single nucleotide variant.
Coding change: c.1528A>G on transcript NM_015331.3 (MANE Select); coding-DNA position 1528, A replaced by G.
Protein change: p.Thr510Ala; replaces threonine 510 with alanine.
Molecular consequence: missense variant.
Genome position (GRCh38, 1-based): chr1:160,355,935, A>G. VCF-style: chr1-160355935-A-G. GRCh37 (hg19) VCF-style: chr1-160325725-A-G.
Other names: c.1468A>G, p.Thr490Ala (NM_001290184.2); c.1114A>G, p.Thr372Ala (NM_001290186.2); c.1528A>G, p.Thr510Ala (NM_001349729.2); short protein forms T372A, T490A, T510A.
Identifiers: ClinVar variation 2808957 (VCV002808957.3), dbSNP rs1482312986, ClinGen allele CA343282264.